The following is an entry in ClinVar:

NM_000166.6(GJB1):c.435del (p.Phe145fs)

Gene: GJB1 (gap junction protein beta 1; plus strand). Cytogenetic location: Xq13.1.
Variant type: Deletion.
Coding change: c.435del on transcript NM_000166.6 (MANE Select); coding-DNA position 435, one base deleted (T; older notation c.435delT).
Protein change: p.Phe145fs; shifts the reading frame from phenylalanine 145.
Molecular consequence: frameshift variant.
Genome position (GRCh38, 1-based): chrX:71,224,142, T deleted; the last of 3 consecutive T bases (chrX:71,224,140-71,224,142); deleting any one gives the same sequence. VCF-style (leftmost placement, unchanged base first): chrX-71224139-GT-G. GRCh37 (hg19) VCF-style: chrX-70443989-GT-G.
Other names: c.435del, p.Phe145fs (NM_001097642.3); short protein forms F145fs.
Identifiers: ClinVar variation 2771172 (VCV002771172.3), dbSNP rs2519798509, ClinGen allele CA2697553167.

ClinVar aggregate classification (germline): Pathogenic (1 of 4 stars; one submission).

Conditions:
Charcot-Marie-Tooth Neuropathy X. Identifiers: MedGen CN118851.

Submission:

Labcorp Genetics (formerly Invitae), Labcorp
Classification: Pathogenic for Charcot-Marie-Tooth Neuropathy X. Last evaluated: 2023-10-23. Review status: criteria provided, single submitter. Criteria: Invitae Variant Classification Sherloc (09022015). Collection method: clinical testing. Allele origin: germline.
Comment: This sequence change creates a premature translational stop signal (p.Phe145Leufs*51) in the GJB1 gene. While this is not anticipated to result in nonsense mediated decay, it is expected to disrupt the last 139 amino acid(s) of the GJB1 protein. This variant is not present in population databases (gnomAD no frequency). This variant has not been reported in the literature in individuals affected with GJB1-related conditions. This variant disrupts a region of the GJB1 protein in which other variant(s) (p.Phe145Cys) have been determined to be pathogenic (PMID: 27804109; Invitae). This suggests that this is a clinically significant region of the protein, and that variants that disrupt it are likely to be disease-causing. For these reasons, this variant has been classified as Pathogenic.

Literature cited by the submitters: PubMed 27804109.